The following is an entry in ClinVar:

ClinVar aggregate classification (germline): Uncertain significance (1 of 4 stars; one submission).

Conditions:
BBS2-related disorder. Also called: BBS2-related disorders; BBS2-related condition. Identifiers: MedGen CN239228.

gnomAD v4.1: 20 of 1,614,020 alleles (0.0012%); highest among the groups gnomAD compares: East Asian, 0.0022%; no homozygotes.

Submission:

PreventionGenetics, part of Exact Sciences
Classification: Uncertain significance for BBS2-related condition. Last evaluated: 2026-09-22. Review status: criteria provided, single submitter. Criteria: ACMG Guidelines, 2015. Collection method: clinical testing. Allele origin: germline.
Comment: The BBS2 c.893G>A variant is predicted to result in the amino acid substitution p.Arg298Gln. To our knowledge, this variant has not been reported in the literature. This variant is reported in 0.011% of alleles in individuals of East Asian descent in gnomAD. At this time, the clinical significance of this variant is uncertain due to the absence of conclusive functional and genetic evidence.

NM_031885.5(BBS2):c.893G>A (p.Arg298Gln)

Gene: BBS2 (Bardet-Biedl syndrome 2; minus strand). Cytogenetic location: 16q13.
Variant type: single nucleotide variant.
Coding change: c.893G>A on transcript NM_031885.5 (MANE Select); coding-DNA position 893, G replaced by A.
Protein change: p.Arg298Gln; replaces arginine 298 with glutamine.
Molecular consequence: missense variant. On other transcripts: non-coding transcript variant (5).
Genome position (GRCh38, 1-based): chr16:56,502,720, C>T on the plus strand (G>A on the coding strand, the complement: BBS2 is on the minus strand). VCF-style: chr16-56502720-C-T. GRCh37 (hg19) VCF-style: chr16-56536632-C-T.
Other names: c.893G>A, p.Arg298Gln (NM_001377456.1); short protein forms R298Q.
Identifiers: ClinVar variation 4997253 (VCV004997253.1).